The following is an entry in ClinVar:

NM_014989.7(RIMS1):c.690G>C (p.Gln230His)

Gene: RIMS1 (regulating synaptic membrane exocytosis 1; plus strand). Cytogenetic location: 6q13.
Variant type: single nucleotide variant.
Coding change: c.690G>C on transcript NM_014989.7 (MANE Select); coding-DNA position 690, G replaced by C.
Protein change: p.Gln230His; replaces glutamine 230 with histidine.
Molecular consequence: missense variant.
Genome position (GRCh38, 1-based): chr6:72,179,793, G>C. VCF-style: chr6-72179793-G-C. GRCh37 (hg19) VCF-style: chr6-72889496-G-C.
Other names: c.690G>C (NM_014989.4); short protein forms Q230H.
Identifiers: ClinVar variation 1938128 (VCV001938128.6), dbSNP rs935049599, ClinGen allele CA141417255.

ClinVar aggregate classification (germline): Uncertain significance. Review status: criteria provided, multiple submitters, no conflicts (2 of 4 stars). 2 submissions from 2 submitters: Uncertain significance (2). Last evaluated 2025-04-11.

Allele frequency attached by ClinVar (database versions not stated): gnomAD 0.00001; TOPMed 0.00002.
gnomAD v4.1: 2 of 1,613,606 alleles (0.00012%); highest among the groups gnomAD compares: African/African-American, 0.0027%; no homozygotes.

Submissions (2):

Ambry Genetics
Classification: Uncertain significance. Last evaluated: 2025-04-11. Review status: criteria provided, single submitter. Criteria: Ambry Variant Classification Scheme 2023. Collection method: clinical testing. Allele origin: germline.

Labcorp Genetics (formerly Invitae), Labcorp
Classification: Uncertain significance. Last evaluated: 2022-09-20. Review status: criteria provided, single submitter. Criteria: Invitae Variant Classification Sherloc (09022015). Collection method: clinical testing. Allele origin: germline.
Comment: In summary, the available evidence is currently insufficient to determine the role of this variant in disease. Therefore, it has been classified as a Variant of Uncertain Significance. Algorithms developed to predict the effect of missense changes on protein structure and function are either unavailable or do not agree on the potential impact of this missense change (SIFT: "Deleterious"; PolyPhen-2: "Probably Damaging"; Align-GVGD: "Class C15"). This variant has not been reported in the literature in individuals affected with RIMS1-related conditions. This variant is present in population databases (no rsID available, gnomAD 0.01%). This sequence change replaces glutamine, which is neutral and polar, with histidine, which is basic and polar, at codon 230 of the RIMS1 protein (p.Gln230His).